The following is an entry in ClinVar:

NM_001199138.2(NLRC4):c.2830T>G (p.Leu944Val)

Gene: NLRC4 (NLR family CARD domain containing 4; minus strand). Cytogenetic location: 2p22.3.
Variant type: single nucleotide variant.
Coding change: c.2830T>G on transcript NM_001199138.2 (MANE Select); coding-DNA position 2830, T replaced by G.
Protein change: p.Leu944Val; replaces leucine 944 with valine.
Molecular consequence: missense variant.
Genome position (GRCh38, 1-based): chr2:32,224,718, A>C on the plus strand (T>G on the coding strand, the complement: NLRC4 is on the minus strand). VCF-style: chr2-32224718-A-C. GRCh37 (hg19) VCF-style: chr2-32449787-A-C.
Other names: c.2830T>G, p.Leu944Val (NM_001199139.2, NM_021209.5); c.835T>G, p.Leu279Val (NM_001302504.2); short protein forms L279V, L944V.
Identifiers: ClinVar variation 1413836 (VCV001413836.8), dbSNP rs898392491, ClinGen allele CA346519524.
Genomic context (GRCh38, chr2:32,224,718, plus strand): 5'-GATTCTCAAATACACCCATGAAGGCAAGCCATCCATCACTGCTCACACGATTTCCCGCCA[A>C]ATTCAACTGCTGGAAGTTTTTCAGAGGGTTCTTTCCAAAAAATGCACCTGGGTAAAGAAA-3'
Protein context (NP_001186067.1, residues 934-954): NPLKNFQQLN[Leu944Val]AGNRVSSDGW

ClinVar aggregate classification (germline): Uncertain significance (1 of 4 stars; one submission).

Conditions:
Familial cold autoinflammatory syndrome 4 (FCAS4). Identifiers: Orphanet 47045, Orphanet 576349, MedGen C4015276, MONDO:0014498, OMIM 616115.
Periodic fever-infantile enterocolitis-autoinflammatory syndrome. Also called: Autoinflammation with infantile enterocolitis. Identifiers: Orphanet 436166, MedGen C4015067, MONDO:0014472, OMIM 616050.

Allele frequency attached by ClinVar (database versions not stated): gnomAD 0.00001; gnomAD exomes 0.00001; TOPMed 0.00001.
gnomAD v4.1: 3 of 1,600,872 alleles (0.00019%); highest among the groups gnomAD compares: Admixed American, 0.0052%; no homozygotes.

Submission:

Labcorp Genetics (formerly Invitae), Labcorp
Classification: Uncertain significance for Periodic fever-infantile enterocolitis-autoinflammatory syndrome; Familial cold autoinflammatory syndrome 4. Last evaluated: 2023-07-27. Review status: criteria provided, single submitter. Criteria: Invitae Variant Classification Sherloc (09022015). Collection method: clinical testing. Allele origin: germline.
Comment: This sequence change replaces leucine, which is neutral and non-polar, with valine, which is neutral and non-polar, at codon 944 of the NLRC4 protein (p.Leu944Val). In summary, the available evidence is currently insufficient to determine the role of this variant in disease. Therefore, it has been classified as a Variant of Uncertain Significance. Advanced modeling of protein sequence and biophysical properties (such as structural, functional, and spatial information, amino acid conservation, physicochemical variation, residue mobility, and thermodynamic stability) has been performed at Invitae for this missense variant, however the output from this modeling did not meet the statistical confidence thresholds required to predict the impact of this variant on NLRC4 protein function. ClinVar contains an entry for this variant (Variation ID: 1413836). This variant has not been reported in the literature in individuals affected with NLRC4-related conditions. This variant is present in population databases (no rsID available, gnomAD 0.006%).